The following is an entry in ClinVar:

NM_006514.4(SCN10A):c.4744C>T (p.Arg1582Cys)

Gene: SCN10A (sodium voltage-gated channel alpha subunit 10; minus strand). Cytogenetic location: 3p22.2.
Variant type: single nucleotide variant.
Coding change: c.4744C>T on transcript NM_006514.4 (MANE Select); coding-DNA position 4744, C replaced by T.
Protein change: p.Arg1582Cys; replaces arginine 1582 with cysteine.
Molecular consequence: missense variant.
Genome position (GRCh38, 1-based): chr3:38,698,476, G>A on the plus strand (C>T on the coding strand, the complement: SCN10A is on the minus strand). VCF-style: chr3-38698476-G-A. GRCh37 (hg19) VCF-style: chr3-38739967-G-A.
Other names: c.4741C>T, p.Arg1581Cys (NM_001293306.2); c.4450C>T, p.Arg1484Cys (NM_001293307.2); short protein forms R1582C, R1484C, R1581C.
Identifiers: ClinVar variation 532121 (VCV000532121.11), dbSNP rs569261408, ClinGen allele CA2319822.

ClinVar aggregate classification (germline): Uncertain significance. Review status: criteria provided, multiple submitters, no conflicts (2 of 4 stars). 2 submissions from 2 submitters: Uncertain significance (2). Last evaluated 2025-07-09.

Conditions:
Brugada syndrome. Also called: Sudden unexplained nocturnal death syndrome; Sudden unexpected nocturnal death syndrome; Sudden Unexplained Death Syndrome; Sudden Unexplained Nocturnal Death Syndrome (SUNDS). Identifiers: Orphanet 130, MedGen C1142166, MONDO:0015263.
Cardiovascular phenotype. Identifiers: MedGen CN230736.

Allele frequency attached by ClinVar (database versions not stated): gnomAD exomes 0.00001; 1000 Genomes Project 0.00020; ExAC 0.00001; gnomAD 0.00001; TOPMed 0.00002; 1000 Genomes Project 30x 0.00016.

Submissions (2):

Ambry Genetics
Classification: Uncertain significance for Cardiovascular phenotype. Last evaluated: 2025-07-09. Review status: criteria provided, single submitter. Criteria: Ambry Variant Classification Scheme 2023. Collection method: clinical testing. Allele origin: germline.
Comment: The p.R1582C variant (also known as c.4744C>T), located in coding exon 27 of the SCN10A gene, results from a C to T substitution at nucleotide position 4744. The arginine at codon 1582 is replaced by cysteine, an amino acid with highly dissimilar properties. This amino acid position is highly conserved in available vertebrate species. In addition, this alteration is predicted to be deleterious by in silico analysis. The evidence for this gene-disease relationship is limited; therefore, the clinical significance of this alteration is unclear.

Labcorp Genetics (formerly Invitae), Labcorp
Classification: Uncertain significance for Brugada syndrome. Last evaluated: 2022-06-18. Review status: criteria provided, single submitter. Criteria: Invitae Variant Classification Sherloc (09022015). Collection method: clinical testing. Allele origin: germline.
Comment: Advanced modeling of protein sequence and biophysical properties (such as structural, functional, and spatial information, amino acid conservation, physicochemical variation, residue mobility, and thermodynamic stability) performed at Invitae indicates that this missense variant is expected to disrupt SCN10A protein function. In summary, the available evidence is currently insufficient to determine the role of this variant in disease. Therefore, it has been classified as a Variant of Uncertain Significance. ClinVar contains an entry for this variant (Variation ID: 532121). This variant has not been reported in the literature in individuals affected with SCN10A-related conditions. This variant is present in population databases (rs569261408, gnomAD 0.007%). This sequence change replaces arginine, which is basic and polar, with cysteine, which is neutral and slightly polar, at codon 1582 of the SCN10A protein (p.Arg1582Cys).